The following is an entry in ClinVar:

NM_206933.4(USH2A):c.1687C>T (p.Gln563Ter)

Gene: USH2A (usherin; minus strand). Cytogenetic location: 1q41.
Variant type: single nucleotide variant.
Coding change: c.1687C>T on transcript NM_206933.4 (MANE Select); coding-DNA position 1687, C replaced by T.
Protein change: p.Gln563Ter; replaces glutamine 563 with a stop codon.
Molecular consequence: nonsense.
Genome position (GRCh38, 1-based): chr1:216,292,328, G>A on the plus strand (C>T on the coding strand, the complement: USH2A is on the minus strand). VCF-style: chr1-216292328-G-A. GRCh37 (hg19) VCF-style: chr1-216465670-G-A.
Other names: c.1687C>T, p.Gln563Ter (NM_007123.6); short protein forms Q563*.
Identifiers: ClinVar variation 953522 (VCV000953522.9), dbSNP rs2037017719, ClinGen allele CA344903421.

ClinVar aggregate classification (germline): Pathogenic. Review status: criteria provided, multiple submitters, no conflicts (2 of 4 stars). 3 submissions from 3 submitters: Pathogenic (2). 1 of the submissions does not count toward it. Last evaluated 2024-05-08.

Conditions:
USH2A-related disorder. Also called: USH2A-related disorders; USH2A-related condition. Identifiers: MedGen CN239332.
Retinal dystrophy. Also called: Inherited retinal dystrophy. Identifiers: Orphanet 71862, MedGen C0854723, MeSH D058499, MONDO:0019118, HP:0000556.

Submissions (3):

Myriad Genetics, Inc.
Classification: Pathogenic for USH2A-related disorder. Last evaluated: 2024-05-08. Review status: criteria provided, single submitter. Criteria: Myriad Autosomal Dominant, Autosomal Recessive and X-Linked Classification Criteria (2023). Collection method: clinical testing. Allele origin: unknown.
Comment: NM_206933.2(USH2A):c.1687C>T(Q563*) is expected to be pathogenic in the context of USH2A-related disorders. This variant is predicted to lead to an abnormal or absent protein product due to the creation of a premature termination codon in USH2A, a gene where loss-of-function variants are known to be pathogenic. Please note: this variant was assessed in the context of healthy population screening.

Labcorp Genetics (formerly Invitae), Labcorp
Classification: Pathogenic. Last evaluated: 2022-10-24. Review status: criteria provided, single submitter. Criteria: Invitae Variant Classification Sherloc (09022015). Collection method: clinical testing. Allele origin: germline.
Comment: ClinVar contains an entry for this variant (Variation ID: 953522). For these reasons, this variant has been classified as Pathogenic. This variant has not been reported in the literature in individuals affected with USH2A-related conditions. This variant is not present in population databases (gnomAD no frequency). This sequence change creates a premature translational stop signal (p.Gln563*) in the USH2A gene. It is expected to result in an absent or disrupted protein product. Loss-of-function variants in USH2A are known to be pathogenic (PMID: 10729113, 10909849, 20507924, 25649381).

Institute of Human Genetics, Univ. Regensburg, Univ. Regensburg
Classification: Pathogenic for Retinal dystrophy. Last evaluated: 2018-01-01. Review status: no assertion criteria provided. Criteria: ACMG Guidelines, 2015. Collection method: clinical testing. Allele origin: germline. Affected: yes. Not counted in ClinVar's aggregate classification.

Literature cited by the submitters: PubMed 10729113 (cited by Labcorp Genetics (formerly Invitae), Labcorp); PubMed 10909849 (cited by Labcorp Genetics (formerly Invitae), Labcorp); PubMed 20507924 (cited by Labcorp Genetics (formerly Invitae), Labcorp); PubMed 25649381 (cited by Labcorp Genetics (formerly Invitae), Labcorp).